The following is an entry in ClinVar:

NM_004260.4(RECQL4):c.221_222del (p.Glu74fs)

Gene: RECQL4 (RecQ like helicase 4; minus strand). Cytogenetic location: 8q24.3.
Variant type: Microsatellite.
Coding change: c.221_222del on transcript NM_004260.4 (MANE Select); coding-DNA positions 221 to 222, 2 bases deleted (AG; older notation c.221_222delAG).
Protein change: p.Glu74fs; shifts the reading frame from glutamic acid 74.
Molecular consequence: frameshift variant.
Genome position (GRCh38, 1-based): chr8:144,517,182-144,517,183, CT deleted on the plus strand (AG on the coding strand, the reverse complement: RECQL4 is on the minus strand); deleting any 2 consecutive bases within chr8:144,517,182-144,517,185 gives the same sequence; the c. name uses the placement nearest the transcript's 3' end. VCF-style (leftmost placement, unchanged base first): chr8-144517181-GCT-G. GRCh37 (hg19) VCF-style: chr8-145742565-GCT-G.
Other names: c.221_222delAG (NM_004260.3); short protein forms E74fs.
Identifiers: ClinVar variation 459388 (VCV000459388.9), dbSNP rs773325186, ClinGen allele CA4949416.
Genomic context (GRCh38, chr8:144,517,181, plus strand): 5'-CTGGCGTAGACTGTGGACTCTTGGTCGCAGCCCGATTCAGATGGGGCCCCCAGCAGCGGG[GCT>G]CTGGCGCCTGCAGGAGACAACAGGGGCACAGGCCAGAAAAGGCTGTTGTGGCGGCAGAAG-3'

ClinVar aggregate classification (germline): Pathogenic. Review status: criteria provided, single submitter (1 of 4 stars). 2 submissions from 2 submitters: Pathogenic (1). 1 of the submissions does not count toward it. Last evaluated 2024-11-11.

Conditions:
Baller-Gerold syndrome (BGS). Also called: CRANIOSYNOSTOSIS WITH RADIAL DEFECTS. Identifiers: Orphanet 1225, MedGen C0265308, MONDO:0009039, OMIM 218600.
Rothmund-Thomson syndrome (RTS). Also called: Poikiloderma Congenitale; Poikiloderma of Rothmund-Thomson. Identifiers: Orphanet 2909, MedGen C0032339, MONDO:0010002.

Submissions (2):

Labcorp Genetics (formerly Invitae), Labcorp
Classification: Pathogenic for Baller-Gerold syndrome. Last evaluated: 2024-11-11. Review status: criteria provided, single submitter. Criteria: Invitae Variant Classification Sherloc (09022015). Collection method: clinical testing. Allele origin: germline.
Comment: This sequence change creates a premature translational stop signal (p.Glu74Alafs*62) in the RECQL4 gene. It is expected to result in an absent or disrupted protein product. Loss-of-function variants in RECQL4 are known to be pathogenic (PMID: 12734318, 12952869). This variant is present in population databases (rs773325186, gnomAD 0.001%). This variant has not been reported in the literature in individuals affected with RECQL4-related conditions. For these reasons, this variant has been classified as Pathogenic.

Laboratory of Molecular Oncology, N.N. Petrov Institute of Oncology
Classification: Uncertain significance for Rothmund-Thomson syndrome type 2. Review status: no assertion criteria provided. Collection method: reference population. Allele origin: germline. Observed: 1 variant allele, 1 heterozygote. Not counted in ClinVar's aggregate classification.

Literature cited by the submitters: PubMed 12734318 (cited by Labcorp Genetics (formerly Invitae), Labcorp); PubMed 12952869 (cited by Labcorp Genetics (formerly Invitae), Labcorp).